The following is an entry in ClinVar:

ClinVar aggregate classification (germline): Likely pathogenic (1 of 4 stars; one submission).

Conditions:
Cardiac, facial, and digital anomalies with developmental delay. Identifiers: Orphanet 592570, MedGen C4748484, MONDO:0032572, OMIM 618164.

Submission:

Victorian Clinical Genetics Services, Murdoch Childrens Research Institute
Classification: Likely pathogenic for Cardiac, facial, and digital anomalies with developmental delay. Last evaluated: 2025-10-23. Review status: criteria provided, single submitter. Criteria: ACMG Guidelines, 2015. Collection method: clinical testing. Allele origin: germline. Affected: yes.
Comment: This variant is classified as Likely pathogenic. Evidence in support of pathogenic classification: Variant is absent from gnomAD (v2, v3 and v4); Additional information: Variant is predicted to result in a missense amino acid change from Glu to Lys; This variant is heterozygous; This gene is associated with autosomal dominant disease; This variant has no previous evidence of pathogenicity; No published evidence of segregation with disease has been identified for this variant; No published functional evidence has been identified for this variant; No comparable missense variants have previous evidence for pathogenicity; Variant is located in the annotated WD domain, G-beta repeat domain (DECIPHER); Missense variant with inconclusive in silico prediction and uninformative conservation; The mechanism of disease for this gene is not clearly established. However, due to the prevalence of pathogenic missense variants, the mechanism is likely to be gain of function or dominant negative (PMID: 32376980).

Literature cited by the submitters: PubMed 32376980.

NM_032271.3(TRAF7):c.1306G>A (p.Glu436Lys)

Gene: TRAF7 (TNF receptor associated factor 7; plus strand). Cytogenetic location: 16p13.3.
Variant type: single nucleotide variant.
Coding change: c.1306G>A on transcript NM_032271.3 (MANE Select); coding-DNA position 1306, G replaced by A.
Protein change: p.Glu436Lys; replaces glutamic acid 436 with lysine.
Molecular consequence: missense variant.
Genome position (GRCh38, 1-based): chr16:2,174,293, G>A. VCF-style: chr16-2174293-G-A. GRCh37 (hg19) VCF-style: chr16-2224294-G-A.
Other names: short protein forms E436K.
Identifiers: ClinVar variation 4531594 (VCV004531594.1).